The following is an entry in ClinVar:

NM_000094.4(COL7A1):c.1010del (p.Asn337fs)

Gene: COL7A1 (collagen type VII alpha 1 chain; minus strand). Cytogenetic location: 3p21.31.
Variant type: Deletion.
Coding change: c.1010del on transcript NM_000094.4 (MANE Select); coding-DNA position 1010, one base deleted (A; older notation c.1010delA).
Protein change: p.Asn337fs; shifts the reading frame from asparagine 337.
Molecular consequence: frameshift variant.
Genome position (GRCh38, 1-based): chr3:48,592,434, T deleted on the plus strand (A on the coding strand, the reverse complement: COL7A1 is on the minus strand); the first of 2 consecutive T bases (chr3:48,592,434-48,592,435); deleting either gives the same sequence. VCF-style (leftmost placement, unchanged base first): chr3-48592433-AT-A. GRCh37 (hg19) VCF-style: chr3-48629866-AT-A.
Other names: c.1009delA, p.Asn337Ilefs (NM_000094.3); short protein forms N337fs.
Identifiers: ClinVar variation 4817355 (VCV004817355.1).

ClinVar aggregate classification (germline): Likely pathogenic (1 of 4 stars; one submission).

Conditions:
Epidermolysis bullosa dystrophica. Also called: Dystrophic epidermolysis bullosa, Hallopeau-Siemens type (formerly); Dystrophic epidermolysis bullosa. Identifiers: Orphanet 303, MedGen C0079294, MONDO:0006543.

Submission:

Natera, Inc.
Classification: Likely pathogenic for Dystrophic epidermolysis bullosa. Last evaluated: 2024-07-15. Review status: criteria provided, single submitter. Criteria: Natera Variant Classification Schema (03/2026). Collection method: clinical testing. Allele origin: germline.
Comment: The c.1010del variant in COL7A1 is a frameshift variant predicted to shift the reading frame beginning at codon 337 and leads to a stop codon 22 codons downstream. This variant is expected to result in nonsense mediated decay, truncation, or a dysfunctional protein product. This variant is rare in the general population with a frequency below the threshold expected for the associated phenotype(s). Given the available evidence, this variant is classified as Likely Pathogenic.